The following is an entry in ClinVar:

ClinVar aggregate classification (germline): Uncertain significance (1 of 4 stars; one submission).

Conditions:
Autosomal dominant familial hematuria-retinal arteriolar tortuosity-contractures syndrome. Also called: Angiopathy, hereditary, with nephropathy, aneurysms, and muscle cramps; Hereditary Angiopathy with Nephropathy, Aneurysms, and Muscle Cramps (HANAC) Syndrome. Identifiers: Orphanet 73229, MedGen C2673195, MONDO:0012726, OMIM 611773.

Submission:

Juno Genomics, Hangzhou Juno Genomics, Inc
Classification: Uncertain significance for Autosomal dominant familial hematuria-retinal arteriolar tortuosity-contractures syndrome. Review status: criteria provided, single submitter. Criteria: ACMG Guidelines, 2015. Collection method: clinical testing. Allele origin: germline. Affected: yes.
Comment: Absent from controls (or at extremely low frequency if recessive) in Genome Aggregation Database, Exome Sequencing Project, 1000 Genomes Project, or Exome Aggregation Consortium.;Multiple lines of computational evidence support a deleterious effect on the gene or gene product (conservation, evolutionary, splicing impact, etc).

NM_001845.6(COL4A1):c.4745C>T (p.Ser1582Phe)

Gene: COL4A1 (collagen type IV alpha 1 chain; minus strand). Cytogenetic location: 13q34.
Variant type: single nucleotide variant.
Coding change: c.4745C>T on transcript NM_001845.6 (MANE Select); coding-DNA position 4745, C replaced by T.
Protein change: p.Ser1582Phe; replaces serine 1582 with phenylalanine.
Molecular consequence: missense variant.
Genome position (GRCh38, 1-based): chr13:110,155,293, G>A on the plus strand (C>T on the coding strand, the complement: COL4A1 is on the minus strand). VCF-style: chr13-110155293-G-A. GRCh37 (hg19) VCF-style: chr13-110807640-G-A.
Other names: short protein forms S1582F.
Identifiers: ClinVar variation 3383116 (VCV003383116.2).